The following is an entry in ClinVar:

NM_004577.4(PSPH):c.641C>G (p.Thr214Ser)

Gene: PSPH (phosphoserine phosphatase; minus strand). Cytogenetic location: 7p11.2.
Variant type: single nucleotide variant.
Coding change: c.641C>G on transcript NM_004577.4 (MANE Select); coding-DNA position 641, C replaced by G.
Protein change: p.Thr214Ser; replaces threonine 214 with serine.
Molecular consequence: missense variant.
Genome position (GRCh38, 1-based): chr7:56,011,799, G>C on the plus strand (C>G on the coding strand, the complement: PSPH is on the minus strand). VCF-style: chr7-56011799-G-C. GRCh37 (hg19) VCF-style: chr7-56079492-G-C.
Other names: c.641C>G, p.Thr214Ser (NM_001370503.1, NM_001370504.1, NM_001370505.1 and 17 more transcripts); short protein forms T214S.
Identifiers: ClinVar variation 1413710 (VCV001413710.6), dbSNP rs2116425690, ClinGen allele CA367595329.
Genomic context (GRCh38, chr7:56,011,799, plus strand): 5'-TTGGAGCTGTACGACAATGGATGTTATTCTTCCAGTTCTCCCAGCAGCTCTACAAAATCA[G>C]TGATATACCATTTGGCGTTATCCTTGACTTGTTGCCTGATCACATTTCCTCCAAATCCAA-3'
Protein context (NP_004568.2, residues 204-224): QVKDNAKWYI[Thr214Ser]DFVELLGELE

ClinVar aggregate classification (germline): Uncertain significance (1 of 4 stars; one submission).

Conditions:
Deficiency of phosphoserine phosphatase (PSPHD). Also called: Phosphoserine phosphatase deficiency; PSPH deficiency. Identifiers: Orphanet 79350, MedGen C1291463, MONDO:0013531, OMIM 614023.

Submission:

Labcorp Genetics (formerly Invitae), Labcorp
Classification: Uncertain significance for Deficiency of phosphoserine phosphatase. Last evaluated: 2021-08-27. Review status: criteria provided, single submitter. Criteria: Invitae Variant Classification Sherloc (09022015). Collection method: clinical testing. Allele origin: germline.
Comment: In summary, the available evidence is currently insufficient to determine the role of this variant in disease. Therefore, it has been classified as a Variant of Uncertain Significance. Algorithms developed to predict the effect of missense changes on protein structure and function (SIFT, PolyPhen-2, Align-GVGD) all suggest that this variant is likely to be tolerated. This variant has not been reported in the literature in individuals affected with PSPH-related conditions. This variant is not present in population databases (ExAC no frequency). This sequence change replaces threonine with serine at codon 214 of the PSPH protein (p.Thr214Ser). The threonine residue is highly conserved and there is a small physicochemical difference between threonine and serine.